The following is an entry in ClinVar:

ClinVar aggregate classification (germline): Uncertain significance (1 of 4 stars; one submission).

Submission:

GeneDx
Classification: Uncertain significance. Last evaluated: 2023-11-29. Review status: criteria provided, single submitter. Criteria: GeneDx Variant Classification Process June 2021. Collection method: clinical testing. Allele origin: germline. Affected: yes.
Comment: Has not been previously published as pathogenic or benign to our knowledge; Not observed at significant frequency in large population cohorts (gnomAD); In silico analysis supports that this missense variant has a deleterious effect on protein structure/function

NM_001244008.2(KIF1A):c.3884T>G (p.Val1295Gly)

Genes: KIF1A (kinesin family member 1A; minus strand), LOC126806583 (P300/CBP strongly-dependent group 1 enhancer GRCh37_chr2:241678910-241680109; plus strand). Cytogenetic location: 2q37.3.
Variant type: single nucleotide variant.
Coding change: c.3884T>G on transcript NM_001244008.2 (MANE Select); coding-DNA position 3884, T replaced by G.
Protein change: p.Val1295Gly; replaces valine 1295 with glycine.
Molecular consequence: missense variant.
Genome position (GRCh38, 1-based): chr2:240,740,075, A>C on the plus strand (T>G on the coding strand, the complement: KIF1A is on the minus strand). VCF-style: chr2-240740075-A-C. GRCh37 (hg19) VCF-style: chr2-241679492-A-C.
Other names: c.3608T>G, p.Val1203Gly (NM_001320705.2, NM_001330289.2, NM_001379638.1); c.3683T>G, p.Val1228Gly (NM_001330290.2, NM_001379634.1, NM_001379635.1 and 1 more transcripts); c.3959T>G, p.Val1320Gly (NM_001379631.1); c.3833T>G, p.Val1278Gly (NM_001379632.1); c.3857T>G, p.Val1286Gly (NM_001379633.1, NM_001379642.1, NM_001379645.1); c.3581T>G, p.Val1194Gly (NM_001379636.1, NM_001379639.1, NM_001379641.1 and 5 more transcripts); c.3656T>G, p.Val1219Gly (NM_001379637.1, NM_001379648.1); c.3578T>G, p.Val1193Gly (NM_001379640.1); short protein forms V1193G, V1194G, V1203G, V1219G, V1228G, V1278G, V1286G, V1295G.
Identifiers: ClinVar variation 3365022 (VCV003365022.1).